The following is an entry in ClinVar:

ClinVar aggregate classification (germline): Uncertain significance (1 of 4 stars; one submission).

Conditions:
Brugada syndrome 5 (BRGDA5). Identifiers: Orphanet 130, Orphanet 871, MedGen C2748541, MONDO:0013015, OMIM 612838.

Submission:

Labcorp Genetics (formerly Invitae), Labcorp
Classification: Uncertain significance for Brugada syndrome 5. Last evaluated: 2025-10-02. Review status: criteria provided, single submitter. Criteria: Invitae Variant Classification Sherloc (09022015). Collection method: clinical testing. Allele origin: germline.
Comment: This sequence change replaces alanine, which is neutral and non-polar, with proline, which is neutral and non-polar, at codon 12 of the SCN1B protein (p.Ala12Pro). This variant is not present in population databases (gnomAD no frequency). This variant has not been reported in the literature in individuals affected with SCN1B-related conditions. Experimental studies and prediction algorithms are not available or were not evaluated, and the functional significance of this variant is currently unknown. In summary, the available evidence is currently insufficient to determine the role of this variant in disease. Therefore, it has been classified as a Variant of Uncertain Significance.

NM_001037.5(SCN1B):c.34G>C (p.Ala12Pro)

Gene: SCN1B (sodium voltage-gated channel beta subunit 1; plus strand). Cytogenetic location: 19q13.11.
Variant type: single nucleotide variant.
Coding change: c.34G>C on transcript NM_001037.5 (MANE Select); coding-DNA position 34, G replaced by C.
Protein change: p.Ala12Pro; replaces alanine 12 with proline.
Molecular consequence: missense variant.
Genome position (GRCh38, 1-based): chr19:35,030,854, G>C. VCF-style: chr19-35030854-G-C. GRCh37 (hg19) VCF-style: chr19-35521758-G-C.
Other names: c.34G>C, p.Ala12Pro (NM_199037.5); short protein forms A12P.
Identifiers: ClinVar variation 4728356 (VCV004728356.1).